The following is an entry in ClinVar:

ClinVar aggregate classification (germline): Benign/Likely benign (0 of 4 stars; one submission).

Submission:

ISCA Site 6
Classification: Benign/Likely benign. Review status: no assertion criteria provided. Collection method: clinical testing. Allele origin: unknown. Affected: yes. Observed: 4 variant alleles. Clinical features observed: Developmental delay AND/OR other significant developmental or morphological phenotypes.
Comment: Likely benign (3), Benign (1)

Copy number variation identified through the course of routine clinical cytogenomic testing in postnatal populations, with clinical assertions as classified by the original submitter. For data from the original published study, Kaminsky, et al. 2011 (PubMed 21844811), please see nstd101.

GRCh37/hg19 2q37.1(chr2:234651441-234652419)x1

Genes: DNAJB3 (DnaJ heat shock protein family (Hsp40) member B3; minus strand), UGT1A10 (UDP glucuronosyltransferase family 1 member A10; plus strand), UGT1A3 (UDP glucuronosyltransferase family 1 member A3; plus strand), UGT1A4 (UDP glucuronosyltransferase family 1 member A4; plus strand), UGT1A5 (UDP glucuronosyltransferase family 1 member A5; plus strand) and 4 more. Cytogenetic location: 2q37.1.
Variant type: copy number loss.
Change: copy number 1 (one copy instead of two) of chr2:234,651,441-234,652,419 (1.0 kb, GRCh37 coordinates, 1-based), cytogenetic band 2q37.1.
Identifiers: ClinVar variation 393977 (VCV000393977.3).